The following is an entry in ClinVar:

NM_001204.7(BMPR2):c.94C>T (p.Arg32Trp)

Gene: BMPR2 (bone morphogenetic protein receptor type 2; plus strand). Cytogenetic location: 2q33.1.
Variant type: single nucleotide variant.
Coding change: c.94C>T on transcript NM_001204.7 (MANE Select); coding-DNA position 94, C replaced by T.
Protein change: p.Arg32Trp; replaces arginine 32 with tryptophan.
Molecular consequence: missense variant.
Genome position (GRCh38, 1-based): chr2:202,464,826, C>T. VCF-style: chr2-202464826-C-T. GRCh37 (hg19) VCF-style: chr2-203329549-C-T.
Other names: short protein forms R32W.
Identifiers: ClinVar variation 4214553 (VCV004214553.1).
Genomic context (GRCh38, chr2:202,464,826, plus strand): 5'-AAACATTAAATAATTTGTCATTCCTTTATTTCCTTTATTTTAGCTTCGCAGAATCAAGAA[C>T]GGCTATGTGCGTTTAAAGATCCGTATCAGCAAGACCTTGGGATAGGTGAGAGTAGAATCT-3'
Protein context (NP_001195.2, residues 22-42): STAAASQNQE[Arg32Trp]LCAFKDPYQQ

ClinVar aggregate classification (germline): Uncertain significance (1 of 4 stars; one submission).

Conditions:
Inborn genetic diseases. Identifiers: MedGen C0950123, MeSH D030342.

gnomAD v4.1: 7 of 1,612,408 alleles (0.00043%); highest among the groups gnomAD compares: Admixed American, 0.0017%; no homozygotes.

Submission:

Ambry Genetics
Classification: Uncertain significance for Inborn genetic diseases. Last evaluated: 2025-09-04. Review status: criteria provided, single submitter. Criteria: Ambry Variant Classification Scheme 2023. Collection method: clinical testing. Allele origin: germline.
Comment: The p.R32W variant (also known as c.94C>T), located in coding exon 2 of the BMPR2 gene, results from a C to T substitution at nucleotide position 94. The arginine at codon 32 is replaced by tryptophan, an amino acid with dissimilar properties. This amino acid position is conserved. In addition, this alteration is predicted to be deleterious by in silico analysis. Based on the available evidence, the clinical significance of this variant remains unclear.